The following is an entry in ClinVar:

ClinVar aggregate classification (germline): Uncertain significance (1 of 4 stars; one submission).

Conditions:
MHC class I deficiency. Identifiers: Orphanet 34592, MedGen C6024714, MONDO:0011476.

Allele frequency attached by ClinVar (database versions not stated): ExAC 0.00001; gnomAD 0.00001.
gnomAD v4.1: 17 of 1,612,870 alleles (0.0011%); highest among the groups gnomAD compares: Non-Finnish European, 0.0011%; no homozygotes.

Submission:

Labcorp Genetics (formerly Invitae), Labcorp
Classification: Uncertain significance for MHC class I deficiency 1. Last evaluated: 2021-03-25. Review status: criteria provided, single submitter. Criteria: Invitae Variant Classification Sherloc (09022015). Collection method: clinical testing. Allele origin: germline.
Comment: This sequence change replaces valine with methionine at codon 316 of the TAP1 protein (p.Val316Met). The valine residue is weakly conserved and there is a small physicochemical difference between valine and methionine. This variant is present in population databases (rs531615408, ExAC 0.002%). This variant has not been reported in the literature in individuals with TAP1-related conditions. Algorithms developed to predict the effect of missense changes on protein structure and function output the following: SIFT: "Tolerated"; PolyPhen-2: "Benign"; Align-GVGD: "Class C0". The methionine amino acid residue is found in multiple mammalian species, suggesting that this missense change does not adversely affect protein function. These predictions have not been confirmed by published functional studies and their clinical significance is uncertain. In summary, the available evidence is currently insufficient to determine the role of this variant in disease. Therefore, it has been classified as a Variant of Uncertain Significance.

NM_000593.6(TAP1):c.766G>A (p.Val256Met)

Gene: TAP1 (transporter 1, ATP binding cassette subfamily B member; minus strand). Cytogenetic location: 6p21.32.
Variant type: single nucleotide variant.
Coding change: c.766G>A on transcript NM_000593.6 (MANE Select); coding-DNA position 766, G replaced by A.
Protein change: p.Val256Met; replaces valine 256 with methionine.
Molecular consequence: missense variant.
Genome position (GRCh38, 1-based): chr6:32,852,187, C>T on the plus strand (G>A on the coding strand, the complement: TAP1 is on the minus strand). VCF-style: chr6-32852187-C-T. GRCh37 (hg19) VCF-style: chr6-32819964-C-T.
Other names: c.163G>A, p.Val55Met (NM_001292022.2); short protein forms V55M, V256M.
Identifiers: ClinVar variation 1514751 (VCV001514751.7), dbSNP rs531615408, ClinGen allele CA3746933.